The following is an entry in ClinVar:

ClinVar aggregate classification (germline): Likely pathogenic (1 of 4 stars; one submission).

Conditions:
Glycogen storage disease type III (GSD3). Also called: FORBES DISEASE; Cori disease. Identifiers: Orphanet 366, MedGen C0017922, MONDO:0009291, OMIM 232400.

Submission:

Natera, Inc.
Classification: Likely pathogenic for Glycogen storage disease type III. Last evaluated: 2025-10-14. Review status: criteria provided, single submitter. Criteria: Natera Variant Classification Schema (03/2026). Collection method: clinical testing. Allele origin: germline.
Comment: The c.3686del variant in AGL is a frameshift variant predicted to shift the reading frame beginning at codon 1229 and leads to a stop codon 2 codons downstream. This variant is expected to result in nonsense mediated decay, truncation, or a dysfunctional protein product. This variant is rare in the general population with a frequency below the threshold expected for the associated phenotype(s). Given the available evidence, this variant is classified as Likely Pathogenic.

NM_000642.3(AGL):c.3686del (p.Asn1229fs)

Gene: AGL (amylo-alpha-1,6-glucosidase and 4-alpha-glucanotransferase; plus strand). Cytogenetic location: 1p21.2.
Variant type: Deletion.
Coding change: c.3686del on transcript NM_000642.3 (MANE Select); coding-DNA position 3686, one base deleted (A; older notation c.3686delA).
Protein change: p.Asn1229fs; shifts the reading frame from asparagine 1229.
Molecular consequence: frameshift variant.
Genome position (GRCh38, 1-based): chr1:99,902,780, A deleted; the last of 3 consecutive A bases (chr1:99,902,778-99,902,780); deleting any one gives the same sequence. VCF-style (leftmost placement, unchanged base first): chr1-99902777-GA-G. GRCh37 (hg19) VCF-style: chr1-100368333-GA-G.
Other names: c.3686del, p.Asn1229fs (NM_000028.3, NM_000643.3, NM_000644.3 and 1 more transcripts); c.3638del, p.Asn1213fs (NM_000646.3); c.3665del, p.Asn1222fs (NM_001425326.1); c.3485del, p.Asn1162fs (NM_001425327.1); c.3482del, p.Asn1161fs (NM_001425328.1); c.3347del, p.Asn1116fs (NM_001425329.1); c.3308del, p.Asn1103fs (NM_001425332.1); short protein forms N1103fs, N1116fs, N1161fs, N1162fs, N1213fs, N1222fs, N1229fs.
Identifiers: ClinVar variation 4814449 (VCV004814449.1).